The following is an entry in ClinVar:

ClinVar aggregate classification (germline): Conflicting classifications of pathogenicity. Review status: criteria provided, conflicting classifications (1 of 4 stars). 2 submissions from 2 submitters: Likely pathogenic (1); Uncertain significance (1). Last evaluated 2024-07-31.

Conditions:
Cardiovascular phenotype. Identifiers: MedGen CN230736.
Hypertrophic cardiomyopathy. Also called: HYPERTROPHIC MYOCARDIOPATHY. Identifiers: Orphanet 217569, MedGen C0007194, MeSH D002312, MONDO:0005045, HP:0001639.

Submissions (2):

Ambry Genetics
Classification: Uncertain significance for Cardiovascular phenotype. Last evaluated: 2024-07-31. Review status: criteria provided, single submitter. Criteria: Ambry Variant Classification Scheme 2023. Collection method: clinical testing. Allele origin: germline.
Comment: The p.Q219E variant (also known as c.655C>G), located in coding exon 6 of the MYH7 gene, results from a C to G substitution at nucleotide position 655. The glutamine at codon 219 is replaced by glutamic acid, an amino acid with highly similar properties. This alteration has been reported in individuals with hypertrophy cardiomyopathy (HCM) (Millat G et al. Eur J Med Genet, 2010 Jul;53:261-7; Zou Y et al. Mol Biol Rep, 2013 Jun;40:3969-76; Ambry internal data; external communication). This amino acid position is highly conserved in available vertebrate species. In addition, this alteration is predicted to be deleterious by in silico analysis. Based on the available evidence, the clinical significance of this variant remains unclear.

Labcorp Genetics (formerly Invitae), Labcorp
Classification: Likely pathogenic for Hypertrophic cardiomyopathy. Last evaluated: 2023-03-23. Review status: criteria provided, single submitter. Criteria: Invitae Variant Classification Sherloc (09022015). Collection method: clinical testing. Allele origin: germline.
Comment: This sequence change replaces glutamine, which is neutral and polar, with glutamic acid, which is acidic and polar, at codon 219 of the MYH7 protein (p.Gln219Glu). This variant is not present in population databases (gnomAD no frequency). This missense change has been observed in individuals with hypertrophic cardiomyopathy (PMID: 20800588, 23283745; Invitae). ClinVar contains an entry for this variant (Variation ID: 854576). Advanced modeling of protein sequence and biophysical properties (such as structural, functional, and spatial information, amino acid conservation, physicochemical variation, residue mobility, and thermodynamic stability) performed at Invitae indicates that this missense variant is expected to disrupt MYH7 protein function. In summary, the currently available evidence indicates that the variant is pathogenic, but additional data are needed to prove that conclusively. Therefore, this variant has been classified as Likely Pathogenic.

Literature cited by the submitters: PubMed 20624503 (cited by Ambry Genetics); PubMed 23283745 (cited by Ambry Genetics and Labcorp Genetics (formerly Invitae), Labcorp); PubMed 20800588 (cited by Labcorp Genetics (formerly Invitae), Labcorp).

NM_000257.4(MYH7):c.655C>G (p.Gln219Glu)

Gene: MYH7 (myosin heavy chain 7; minus strand). Cytogenetic location: 14q11.2.
Variant type: single nucleotide variant.
Coding change: c.655C>G on transcript NM_000257.4 (MANE Select); coding-DNA position 655, C replaced by G.
Protein change: p.Gln219Glu; replaces glutamine 219 with glutamic acid.
Molecular consequence: missense variant.
Genome position (GRCh38, 1-based): chr14:23,431,662, G>C on the plus strand (C>G on the coding strand, the complement: MYH7 is on the minus strand). VCF-style: chr14-23431662-G-C. GRCh37 (hg19) VCF-style: chr14-23900871-G-C.
Other names: short protein forms Q219E.
Identifiers: ClinVar variation 854576 (VCV000854576.10), dbSNP rs1892947729, ClinGen allele CA389052321.